The following is an entry in ClinVar:

NM_000384.3(APOB):c.1904G>A (p.Arg635Gln)

Gene: APOB (apolipoprotein B; minus strand). Cytogenetic location: 2p24.1.
Variant type: single nucleotide variant.
Coding change: c.1904G>A on transcript NM_000384.3 (MANE Select); coding-DNA position 1904, G replaced by A.
Protein change: p.Arg635Gln; replaces arginine 635 with glutamine.
Molecular consequence: missense variant.
Genome position (GRCh38, 1-based): chr2:21,027,991, C>T on the plus strand (G>A on the coding strand, the complement: APOB is on the minus strand). VCF-style: chr2-21027991-C-T. GRCh37 (hg19) VCF-style: chr2-21250863-C-T.
Other names: short protein forms R635Q.
Identifiers: ClinVar variation 923525 (VCV000923525.15), dbSNP rs202001155, ClinGen allele CA054865.

ClinVar aggregate classification (germline): Conflicting classifications of pathogenicity. Review status: criteria provided, conflicting classifications (1 of 4 stars). 4 submissions from 4 submitters: Uncertain significance (3); Likely benign (1). Last evaluated 2025-12-02.

Conditions:
Cardiovascular phenotype. Identifiers: MedGen CN230736.
Familial hypobetalipoproteinemia 1. Also called: Hypobetalipoproteinemia, normotriglyceridemic; Acanthocytosis with hypobetalipoproteinemia; APOB-Related Familial Hypobetalipoproteinemia. Identifiers: MedGen C4551990, MONDO:0014252, OMIM 615558.
Hypercholesterolemia, autosomal dominant, type B (FHCL2). Also called: Familial Hypercholesterolemia Type B; Familial hypercholesterolemia 2; Hyperlipoproteinemia Type IIb; HYPERCHOLESTEROLEMIA, FAMILIAL, DUE TO LIGAND-DEFECTIVE APOLIPOPROTEIN B; APOLIPOPROTEIN B-100, FAMILIAL DEFECTIVE; APOLIPOPROTEIN B-100, FAMILIAL LIGAND-DEFECTIVE. Identifiers: MedGen C1704417, MONDO:0007751, OMIM 144010.

Allele frequency attached by ClinVar (database versions not stated): gnomAD 0.00001 and 0.00002; ExAC 0.00005; gnomAD exomes 0.00005; TOPMed 0.00005; 1000 Genomes Project 0.00020; 1000 Genomes Project 30x 0.00031.

Submissions (4):

Labcorp Genetics (formerly Invitae), Labcorp
Classification: Likely benign for Familial hypobetalipoproteinemia 1; Hypercholesterolemia, autosomal dominant, type B. Last evaluated: 2025-12-02. Review status: criteria provided, single submitter. Criteria: Invitae Variant Classification Sherloc (09022015). Collection method: clinical testing. Allele origin: germline.

Ambry Genetics
Classification: Uncertain significance for Cardiovascular phenotype. Last evaluated: 2022-07-26. Review status: criteria provided, single submitter. Criteria: Ambry Variant Classification Scheme 2023. Collection method: clinical testing. Allele origin: germline.
Comment: The p.R635Q variant (also known as c.1904G>A), located in coding exon 14 of the APOB gene, results from a G to A substitution at nucleotide position 1904. The arginine at codon 635 is replaced by glutamine, an amino acid with highly similar properties. This alteration has been reported in a familial hypercholesterolemia (FH) cohort; however, clinical details were limited (Li JJ et al. Arterioscler Thromb Vasc Biol, 2017 Mar;37:570-579). This amino acid position is not well conserved in available vertebrate species. In addition, this alteration is predicted to be tolerated by in silico analysis. Since supporting evidence is limited at this time, the clinical significance of this alteration remains unclear.

Fulgent Genetics
Classification: Uncertain significance for Hypercholesterolemia, autosomal dominant, type B; Familial hypobetalipoproteinemia 1. Last evaluated: 2021-10-06. Review status: criteria provided, single submitter. Criteria: ACMG Guidelines, 2015. Collection method: clinical testing. Allele origin: unknown.

Blueprint Genetics
Classification: Uncertain significance. Last evaluated: 2019-09-18. Review status: criteria provided, single submitter. Criteria: ACMG Guidelines, 2015. Collection method: clinical testing. Allele origin: germline.

Literature cited by the submitters: PubMed 27932355 (cited by Ambry Genetics).